The following is an entry in ClinVar:

ClinVar aggregate classification (germline): Pathogenic/Likely pathogenic. Review status: criteria provided, multiple submitters, no conflicts (2 of 4 stars). 8 submissions from 8 submitters: Pathogenic (6); Likely pathogenic (2). Last evaluated 2026-08-28.

Conditions:
Hereditary cancer-predisposing syndrome. Also called: Hereditary Cancer Syndrome; Tumor predisposition; Hereditary neoplastic syndrome; Neoplastic Syndromes, Hereditary. Identifiers: Orphanet 140162, MedGen C0027672, MeSH D009386, MONDO:0015356.
Familial cancer of breast. Also called: hereditary breast carcinoma; BREAST CANCER, FAMILIAL; Hereditary breast cancer. Identifiers: Orphanet 227535, MedGen C0346153, MONDO:0016419, OMIM 114480. Disease mechanism: loss of function.
Ataxia-telangiectasia syndrome (AT). Also called: Ataxia-telangiectasia, complementation group D; AT, COMPLEMENTATION GROUP C; Ataxia-telangiectasia, complementation group E; Cerebello-oculocutaneous telangiectasia; Immunodeficiency with ataxia telangiectasia; LOUIS-BAR SYNDROME. Identifiers: Orphanet 100, MedGen C0004135, MONDO:0008840, OMIM 208900.

Submissions (8):

Myriad Genetics, Inc.
Classification: Pathogenic for Familial cancer of breast. Last evaluated: 2026-08-28. Review status: criteria provided, single submitter. Criteria: Myriad Autosomal Dominant, Autosomal Recessive and X-Linked Classification Criteria (2023). Collection method: clinical testing. Allele origin: unknown.
Comment: This variant is considered pathogenic. This variant occurs within a consensus splice junction and is predicted to result in abnormal mRNA splicing of either an out-of-frame exon or an in-frame exon necessary for protein stability and/or normal function. mRNA analysis has demonstrated abnormal mRNA splicing occurs [PMID: 21665257, 10330348, 31843900]. This variant has been reported in multiple individuals with clinical features of gene-specific disease [PMID: 29906526, 21665257, 14695534, 10330348, 31843900, 30772474, 37438524].

Ambry Genetics
Classification: Pathogenic for Hereditary cancer-predisposing syndrome. Last evaluated: 2025-12-26. Review status: criteria provided, single submitter. Criteria: Ambry Variant Classification Scheme 2023. Collection method: clinical testing. Allele origin: germline.
Comment: The c.5497-1G>A intronic pathogenic mutation results from a G to A substitution one nucleotide upstream from coding exon 36 of the ATM gene. This variant has been identified in conjunction with other ATM variant(s) in individual(s) with features consistent with Ataxia telangiectasia (Suspitsin E et al. Eur J Med Genet, 2020 Jan;63:103630; Kuzmenko N et al. J Clin Immunol, 2024 Jul;44:165). This variant is considered to be rare based on population cohorts in the Genome Aggregation Database (gnomAD). This nucleotide position is highly conserved in available vertebrate species. In silico splice site analysis predicts that this alteration may weaken the native splice acceptor site. RNA studies have demonstrated that this alteration results in abnormal splicing in the set of samples tested (Ambry internal data). Alterations that disrupt the canonical splice site are expected to cause aberrant splicing, resulting in an abnormal protein or a transcript that is subject to nonsense-mediated mRNA decay. Based on the supporting evidence, this variant is interpreted as a disease-causing mutation.

Labcorp Genetics (formerly Invitae), Labcorp
Classification: Pathogenic for Ataxia-telangiectasia syndrome. Last evaluated: 2025-08-20. Review status: criteria provided, single submitter. Criteria: Invitae Variant Classification Sherloc (09022015). Collection method: clinical testing. Allele origin: germline.
Comment: This sequence change affects an acceptor splice site in intron 36 of the ATM gene. RNA analysis indicates that disruption of this splice site induces altered splicing and may result in an absent or altered protein product. This variant is not present in population databases (gnomAD no frequency). Disruption of this splice site has been observed in individual(s) with ataxia telangiectasia (PMID: 30772474). ClinVar contains an entry for this variant (Variation ID: 233182). Studies have shown that disruption of this splice site results in activation of a cryptic splice site, and produces a non-functional protein and/or introduces a premature termination codon (PMID: 10330348, 31843900; internal data). For these reasons, this variant has been classified as Pathogenic.

Natera, Inc.
Classification: Pathogenic for Ataxia-telangiectasia. Last evaluated: 2024-11-06. Review status: criteria provided, single submitter. Criteria: Natera Variant Classification Schema (03/2026). Collection method: clinical testing. Allele origin: germline.
Comment: The c.5497-1G>A variant in ATM is a canonical splice acceptor site variant predicted to affect pre-mRNA splicing, which may result in an abnormal transcript and altered protein product. This variant is expected to result in nonsense mediated decay, truncation, or a dysfunctional protein product. This variant is rare in the general population with a frequency below the threshold expected for the associated phenotype(s). This variant has been observed in one or more individuals affected with the associated recessive disease, as either homozygous or compound heterozygous with a second variant (PMID: 30772474). Given the available evidence, this variant is classified as Pathogenic.

Color Diagnostics, LLC DBA Color Health
Classification: Pathogenic for Hereditary cancer-predisposing syndrome. Last evaluated: 2023-12-05. Review status: criteria provided, single submitter. Criteria: ACMG Guidelines, 2015. Collection method: clinical testing. Allele origin: germline.
Comment: This variant causes a G>A nucleotide substitution at the -1 position of intron 36 of the ATM gene. Splice site prediction tools suggest that this variant may have a significant impact on RNA splicing. Although this prediction has not been confirmed in published RNA studies, this variant is expected to result in an absent or disrupted protein product. This variant has been observed in individuals affected with autosomal recessive ataxia telangiectasia (PMID: 30772474), indicating that this variant contributes to disease. This variant has not been identified in the general population by the Genome Aggregation Database (gnomAD). Different variants affecting the same splice donor site, c.5497-2A>C and c.5497-2A>G, are known to be disease-causing (ClinVar Variation ID: 449345, 187521). Loss of ATM function is a known mechanism of disease. Based on the available evidence, this variant is classified as Pathogenic.

Baylor Genetics
Classification: Pathogenic for Familial cancer of breast. Last evaluated: 2023-07-13. Review status: criteria provided, single submitter. Criteria: ACMG Guidelines, 2015. Collection method: clinical testing. Allele origin: unknown.

Institute of Medical Genetics and Applied Genomics, University Hospital Tübingen
Classification: Likely pathogenic. Last evaluated: 2020-10-23. Review status: criteria provided, single submitter. Criteria: ACMG Guidelines, 2015. Collection method: clinical testing. Allele origin: germline. Inheritance: Unknown mechanism. Affected: yes.

GeneDx
Classification: Likely pathogenic. Last evaluated: 2016-04-18. Review status: criteria provided, single submitter. Criteria: GeneDx Variant Classification (06012015). Collection method: clinical testing. Allele origin: germline. Affected: yes.
Comment: This variant is denoted ATM c.5497-1G>A or IVS36-1G>A and consists of a G>A nucleotide substitutionat the -1 position of intron 36 of the ATM gene. This variant destroys a canonical splice acceptor site and is predictedto cause abnormal gene splicing, leading to either an abnormal message that is subject to nonsense-mediated mRNAdecay or to an abnormal protein product. This variant has not, to our knowledge, been published in the literature.Based on the currently available information, we consider ATM c.5497-1G>A to be a likely pathogenic variant.

Literature cited by the submitters: PubMed 21665257 (cited by Myriad Genetics, Inc.); PubMed 10330348 (cited by Myriad Genetics, Inc. and Labcorp Genetics (formerly Invitae), Labcorp); PubMed 31843900 (cited by Myriad Genetics, Inc. and Labcorp Genetics (formerly Invitae), Labcorp); PubMed 29906526 (cited by Myriad Genetics, Inc.); PubMed 14695534 (cited by Myriad Genetics, Inc.); PubMed 30772474 (cited by 5 submitters); PubMed 37438524 (cited by Myriad Genetics, Inc.); PubMed 39052144 (cited by Ambry Genetics).

NM_000051.4(ATM):c.5497-1G>A

Gene: ATM (ATM serine/threonine kinase; plus strand). Cytogenetic location: 11q22.3.
Variant type: single nucleotide variant.
Coding change: c.5497-1G>A on transcript NM_000051.4 (MANE Select); the canonical splice acceptor site of the intron before coding-DNA position 5497, G replaced by A.
Molecular consequence: splice acceptor variant.
Genome position (GRCh38, 1-based): chr11:108,304,674, G>A. VCF-style: chr11-108304674-G-A. GRCh37 (hg19) VCF-style: chr11-108175401-G-A.
Other names: c.5497-1G>A (NM_001351834.2).
Identifiers: ClinVar variation 233182 (VCV000233182.22), dbSNP rs876660245, ClinGen allele CA10579182.
Genomic context (GRCh38, chr11:108,304,674, plus strand): 5'-AATGTATTAATTTTACTCATTTTTACTCAAACTATTGGGTGGATTTGTTTGTATATTCTA[G>A]GTGAAAACTGACTTTTGTCAGACTGTACTTCCATACTTGATTCATGATATTTTACTCCAA-3'